The following is an entry in ClinVar:

ClinVar aggregate classification (germline): Uncertain significance (1 of 4 stars; one submission).

Conditions:
Primary dilated cardiomyopathy (DCM). Also called: Dilated Cardiomyopathy. Identifiers: Orphanet 217604, MedGen C0007193, MeSH D002311, MONDO:0005021, HP:0001644. Inheritance: Various modes of inheritance.

gnomAD v4.1: 5 of 1,614,096 alleles (0.00031%); highest among the groups gnomAD compares: African/African-American, 0.0067%; no homozygotes.

Submission:

Labcorp Genetics (formerly Invitae), Labcorp
Classification: Uncertain significance for Primary dilated cardiomyopathy. Last evaluated: 2025-05-29. Review status: criteria provided, single submitter. Criteria: Invitae Variant Classification Sherloc (09022015). Collection method: clinical testing. Allele origin: germline.
Comment: This sequence change replaces threonine, which is neutral and polar, with serine, which is neutral and polar, at codon 125 of the FHL2 protein (p.Thr125Ser). This variant is present in population databases (rs760901034, gnomAD 0.01%). This variant has not been reported in the literature in individuals affected with FHL2-related conditions. Invitae Evidence Modeling of protein sequence and biophysical properties (such as structural, functional, and spatial information, amino acid conservation, physicochemical variation, residue mobility, and thermodynamic stability) indicates that this missense variant is not expected to disrupt FHL2 protein function with a negative predictive value of 80%. In summary, the available evidence is currently insufficient to determine the role of this variant in disease. Therefore, it has been classified as a Variant of Uncertain Significance.

NM_001318895.3(FHL2):c.373A>T (p.Thr125Ser)

Genes: C2orf49 (chromosome 2 open reading frame 49; plus strand), FHL2 (four and a half LIM domains 2; minus strand). Cytogenetic location: 2q12.2.
Variant type: single nucleotide variant.
Coding change: c.373A>T on transcript NM_001318895.3 (MANE Select); coding-DNA position 373, A replaced by T.
Protein change: p.Thr125Ser; replaces threonine 125 with serine.
Molecular consequence: missense variant.
Genome position (GRCh38, 1-based): chr2:105,367,698, T>A on the plus strand (A>T on the coding strand, the complement: FHL2 is on the minus strand). VCF-style: chr2-105367698-T-A. GRCh37 (hg19) VCF-style: chr2-105984155-T-A.
Other names: c.373A>T, p.Thr125Ser (NM_001039492.3, NM_001318894.1, NM_001318896.2 and 4 more transcripts); c.31A>T, p.Thr11Ser (NM_001318897.2, NM_001318898.2); c.49A>T, p.Thr17Ser (NM_001318899.2); short protein forms T125S, T17S, T11S.
Identifiers: ClinVar variation 4739006 (VCV004739006.1).